The following is an entry in ClinVar:

ClinVar aggregate classification (germline): Conflicting classifications of pathogenicity. Review status: criteria provided, conflicting classifications (1 of 4 stars). 2 submissions from 2 submitters: Uncertain significance (1); Likely benign (1). Last evaluated 2024-05-07.

Conditions:
46,XY sex reversal 9 (SRXY9). Also called: 46,XY SEX REVERSAL, ZFPM2-RELATED. Identifiers: Orphanet 251510, MedGen C4015129, MONDO:0014480, OMIM 616067.

gnomAD v4.1: 28 of 1,613,666 alleles (0.0017%); highest among the groups gnomAD compares: African/African-American, 0.0027%; no homozygotes.

Submissions (2):

Labcorp Genetics (formerly Invitae), Labcorp
Classification: Likely benign for 46,XY sex reversal 9. Last evaluated: 2024-05-07. Review status: criteria provided, single submitter. Criteria: Invitae Variant Classification Sherloc (09022015). Collection method: clinical testing. Allele origin: germline.

GeneDx
Classification: Uncertain significance. Last evaluated: 2017-09-27. Review status: criteria provided, single submitter. Criteria: GeneDx Variant Classification (06012015). Collection method: clinical testing. Allele origin: germline. Affected: yes.
Comment: The c.1632G>T nucleotide substitution, resulting in the M544I amino acid change in this family, has not been reported previously as a pathogenic or benign variant to our knowledge. However, a different nucleotide substitution (c.1632G>A) that also results in the M544I missense substitution was previously identified in an individual with tetralogy of Fallot, supporting the functional importance of this position in the protein (DeLuca et al., 2011). The M544I variant is observed in 1/15186 (0.007%) alleles from individuals of African background, in the ExAC dataset (Lek et al., 2016). The M544I variant is a conservative amino acid substitution, which is not likely to impact secondary protein structure as these residues share similar properties. This substitution occurs at a position where amino acids with similar properties to Methionine are tolerated across species. In silico analysis is inconsistent in its predictions as to whether or not the variant is damaging to the protein structure/function. We interpret M544I as a variant of uncertain significance.

NM_012082.4(ZFPM2):c.1632G>T (p.Met544Ile)

Genes: ZFPM2 (zinc finger protein, FOG family member 2; plus strand), ZFPM2-AS1 (ZFPM2 antisense RNA 1; minus strand). Cytogenetic location: 8q23.1.
Variant type: single nucleotide variant.
Coding change: c.1632G>T on transcript NM_012082.4 (MANE Select); coding-DNA position 1632, G replaced by T.
Protein change: p.Met544Ile; replaces methionine 544 with isoleucine.
Molecular consequence: missense variant.
Genome position (GRCh38, 1-based): chr8:105,801,714, G>T. VCF-style: chr8-105801714-G-T. GRCh37 (hg19) VCF-style: chr8-106813942-G-T.
Other names: c.1473G>T, p.Met491Ile (NM_001362836.2); c.1236G>T, p.Met412Ile (NM_001362837.2); short protein forms M544I, M491I, M412I.
Identifiers: ClinVar variation 452337 (VCV000452337.4), dbSNP rs187043152, ClinGen allele CA4839782.